The following is an entry in ClinVar:

ClinVar aggregate classification (germline): Uncertain significance (1 of 4 stars; one submission).

Conditions:
Lipoic acid synthetase deficiency. Also called: HYPERGLYCINEMIA, LACTIC ACIDOSIS, AND SEIZURES. Identifiers: Orphanet 401859, MedGen C3280887, MONDO:0013762, OMIM 614462.

Submission:

Labcorp Genetics (formerly Invitae), Labcorp
Classification: Uncertain significance for Lipoic acid synthetase deficiency. Last evaluated: 2022-08-23. Review status: criteria provided, single submitter. Criteria: Invitae Variant Classification Sherloc (09022015). Collection method: clinical testing. Allele origin: germline.
Comment: In summary, the available evidence is currently insufficient to determine the role of this variant in disease. Therefore, it has been classified as a Variant of Uncertain Significance. Variants that disrupt the consensus splice site are a relatively common cause of aberrant splicing (PMID: 17576681, 9536098). Algorithms developed to predict the effect of sequence changes on RNA splicing suggest that this variant is not likely to affect RNA splicing. ClinVar contains an entry for this variant (Variation ID: 1371941). This variant has not been reported in the literature in individuals affected with LIAS-related conditions. This variant is not present in population databases (gnomAD no frequency). This sequence change falls in intron 8 of the LIAS gene. It does not directly change the encoded amino acid sequence of the LIAS protein. It affects a nucleotide within the consensus splice site.

Literature cited by the submitters: PubMed 17576681; PubMed 9536098.

NM_006859.4(LIAS):c.883+6G>T

Gene: LIAS (lipoic acid synthetase; plus strand). Cytogenetic location: 4p14.
Variant type: single nucleotide variant.
Coding change: c.883+6G>T on transcript NM_006859.4 (MANE Select); 6 bases into the intron after coding-DNA position 883, G replaced by T.
Molecular consequence: intron variant.
Genome position (GRCh38, 1-based): chr4:39,470,170, G>T. VCF-style: chr4-39470170-G-T. GRCh37 (hg19) VCF-style: chr4-39471790-G-T.
Other names: c.883+6G>T (NM_194451.3); c.754+6G>T (NM_001278590.2); c.574+6G>T (NM_001363700.2).
Identifiers: ClinVar variation 1371941 (VCV001371941.6), dbSNP rs934916861, ClinGen allele CA2573137710.